The following is an entry in ClinVar:

NM_003743.5(NCOA1):c.4278C>T (p.Thr1426=)

Gene: NCOA1 (nuclear receptor coactivator 1; plus strand). Cytogenetic location: 2p23.3.
Variant type: single nucleotide variant.
Coding change: c.4278C>T on transcript NM_003743.5 (MANE Select); coding-DNA position 4278, C replaced by T.
Protein change: p.Thr1426=; no amino-acid change (threonine 1426 retained).
Molecular consequence: synonymous variant. On other transcripts: 3 prime UTR variant (5).
Genome position (GRCh38, 1-based): chr2:24,768,343, C>T. VCF-style: chr2-24768343-C-T. GRCh37 (hg19) VCF-style: chr2-24991212-C-T.
Other names: c.*135C>T (NM_001362950.1, NM_001362952.1, NM_001362955.1 and 1 more transcripts); c.*132C>T (NM_001362954.1); c.4275C>T, p.Thr1425= (NM_147233.2).
Identifiers: ClinVar variation 3358693 (VCV003358693.1).

ClinVar aggregate classification (germline): Likely benign (0 of 4 stars; one submission).

Conditions:
NCOA1-related disorder. Also called: NCOA1-related condition.

gnomAD v4.1: 23 of 1,613,208 alleles (0.0014%); highest among the groups gnomAD compares: Admixed American, 0.0033%; no homozygotes.

Submission:

PreventionGenetics, part of Exact Sciences
Classification: Likely benign for NCOA1-related condition. Last evaluated: 2020-11-24. Review status: no assertion criteria provided. Collection method: clinical testing. Allele origin: germline.
Comment: This variant is classified as likely benign based on ACMG/AMP sequence variant interpretation guidelines (Richards et al. 2015 PMID: 25741868, with internal and published modifications).